The following is an entry in ClinVar:

NM_001376.5(DYNC1H1):c.5050-3C>T

Gene: DYNC1H1 (dynein cytoplasmic 1 heavy chain 1; plus strand). Cytogenetic location: 14q32.31.
Variant type: single nucleotide variant.
Coding change: c.5050-3C>T on transcript NM_001376.5 (MANE Select); 3 bases into the intron before coding-DNA position 5050, C replaced by T.
Molecular consequence: intron variant.
Genome position (GRCh38, 1-based): chr14:102,004,759, C>T. VCF-style: chr14-102004759-C-T. GRCh37 (hg19) VCF-style: chr14-102471096-C-T.
Identifiers: ClinVar variation 653953 (VCV000653953.13), dbSNP rs372462176, ClinGen allele CA7352349.

ClinVar aggregate classification (germline): Conflicting classifications of pathogenicity. Review status: criteria provided, conflicting classifications (1 of 4 stars). 4 submissions from 4 submitters: Uncertain significance (1); Likely benign (3). Last evaluated 2026-01-24.

Conditions:
Charcot-Marie-Tooth disease axonal type 2O. Also called: CHARCOT-MARIE-TOOTH NEUROPATHY, AXONAL, TYPE 2O; CHARCOT-MARIE-TOOTH DISEASE, AXONAL, AUTOSOMAL DOMINANT, TYPE 2O; Charcot-Marie-Tooth Neuropathy Type 2O; Charcot-Marie-Tooth disease, axonal, type 20. Identifiers: Orphanet 284232, MedGen C3280220, MONDO:0013644, OMIM 614228.
DYNC1H1-related disorder. Also called: DYNC1H1-related condition; DYNC1H1-related disorders. Identifiers: MedGen CN381529.
Inborn genetic diseases. Identifiers: MedGen C0950123, MeSH D030342.

Allele frequency attached by ClinVar (database versions not stated): gnomAD exomes 0.00001 and 0.00005; ExAC 0.00005; ESP Exome Variant Server 0.00008; gnomAD 0.00019 and 0.00021; TOPMed 0.00024.
gnomAD v4.1: 51 of 1,613,986 alleles (0.0032%); highest among the groups gnomAD compares: African/African-American, 0.055%; no homozygotes.

Submissions (4):

Labcorp Genetics (formerly Invitae), Labcorp
Classification: Uncertain significance for Charcot-Marie-Tooth disease axonal type 2O. Last evaluated: 2026-01-24. Review status: criteria provided, single submitter. Criteria: Invitae Variant Classification Sherloc (09022015). Collection method: clinical testing. Allele origin: germline.
Comment: This sequence change falls in intron 24 of the DYNC1H1 gene. It does not directly change the encoded amino acid sequence of the DYNC1H1 protein. It affects a nucleotide within the consensus splice site. This variant is present in population databases (rs372462176, gnomAD 0.05%), and has an allele count higher than expected for a pathogenic variant. This variant has not been reported in the literature in individuals affected with DYNC1H1-related conditions. ClinVar contains an entry for this variant (Variation ID: 653953). Variants that disrupt the consensus splice site are a relatively common cause of aberrant splicing (PMID: 17576681, 9536098). Algorithms developed to predict the effect of sequence changes on RNA splicing suggest that this variant is not likely to affect RNA splicing. In summary, the available evidence is currently insufficient to determine the role of this variant in disease. Therefore, it has been classified as a Variant of Uncertain Significance.

PreventionGenetics, part of Exact Sciences
Classification: Likely benign for DYNC1H1-related condition. Last evaluated: 2025-08-05. Review status: criteria provided, single submitter. Criteria: ACMG Guidelines, 2015. Collection method: clinical testing. Allele origin: germline.
Comment: This variant is classified as likely benign based on ACMG/AMP sequence variant interpretation guidelines (Richards et al. 2015 PMID: 25741868, with internal and published modifications).

GeneDx
Classification: Likely benign. Last evaluated: 2021-01-19. Review status: criteria provided, single submitter. Criteria: GeneDx Variant Classification Process June 2021. Collection method: clinical testing. Allele origin: germline. Affected: yes.

Ambry Genetics
Classification: Likely benign for Inborn genetic diseases. Last evaluated: 2021-01-08. Review status: criteria provided, single submitter. Criteria: Ambry Variant Classification Scheme 2023. Collection method: clinical testing. Allele origin: germline.

Literature cited by the submitters: PubMed 17576681 (cited by Labcorp Genetics (formerly Invitae), Labcorp); PubMed 9536098 (cited by Labcorp Genetics (formerly Invitae), Labcorp).